The following is an entry in ClinVar:

ClinVar aggregate classification (germline): Uncertain significance (1 of 4 stars; one submission).

Submission:

Labcorp Genetics (formerly Invitae), Labcorp
Classification: Uncertain significance. Last evaluated: 2023-08-30. Review status: criteria provided, single submitter. Criteria: Invitae Variant Classification Sherloc (09022015). Collection method: clinical testing. Allele origin: germline.
Comment: In summary, the available evidence is currently insufficient to determine the role of this variant in disease. Therefore, it has been classified as a Variant of Uncertain Significance. Algorithms developed to predict the effect of sequence changes on RNA splicing suggest that this variant may disrupt the consensus splice site. ClinVar contains an entry for this variant (Variation ID: 1446157). This variant has not been reported in the literature in individuals affected with DDX58-related conditions. This variant is not present in population databases (gnomAD no frequency). This sequence change affects a donor splice site in intron 15 of the DDX58 gene. It is expected to disrupt RNA splicing. Variants that disrupt the donor or acceptor splice site typically lead to a loss of protein function (PMID: 16199547), however the current clinical and genetic evidence is not sufficient to establish whether loss-of-function variants in DDX58 cause disease.

Literature cited by the submitters: PubMed 16199547.

NM_014314.4(RIGI):c.2185+1G>A

Gene: RIGI (RNA sensor RIG-I; minus strand). Cytogenetic location: 9p21.1.
Variant type: single nucleotide variant.
Coding change: c.2185+1G>A on transcript NM_014314.4 (MANE Select); the canonical splice donor site of the intron after coding-DNA position 2185, G replaced by A.
Molecular consequence: splice donor variant. On other transcripts: intron variant (1).
Genome position (GRCh38, 1-based): chr9:32,467,761, C>T on the plus strand (G>A on the coding strand, the complement: RIGI is on the minus strand). VCF-style: chr9-32467761-C-T. GRCh37 (hg19) VCF-style: chr9-32467759-C-T.
Other names: c.1576+1G>A (NM_001385912.1); c.2170+1G>A (NM_001385913.1); c.2179+1G>A (NM_001385907.1); c.2015-1320G>A (NM_001385909.1); c.1741+1G>A (NM_001385914.1); c.1744+1G>A (NM_001385910.1).
Identifiers: ClinVar variation 1446157 (VCV001446157.6), dbSNP rs2118692783, ClinGen allele CA373145958.